The following is an entry in ClinVar:

NM_002734.5(PRKAR1A):c.778G>C (p.Asp260His)

Gene: PRKAR1A (protein kinase cAMP-dependent type I regulatory subunit alpha; plus strand). Cytogenetic location: 17q24.2.
Variant type: single nucleotide variant.
Coding change: c.778G>C on transcript NM_002734.5 (MANE Select); coding-DNA position 778, G replaced by C.
Protein change: p.Asp260His; replaces aspartic acid 260 with histidine.
Molecular consequence: missense variant.
Genome position (GRCh38, 1-based): chr17:68,528,878, G>C. VCF-style: chr17-68528878-G-C. GRCh37 (hg19) VCF-style: chr17-66525019-G-C.
Other names: c.778G>C, p.Asp260His (NM_001276289.2, NM_001276290.1, NM_001278433.2 and 4 more transcripts); short protein forms D260H.
Identifiers: ClinVar variation 469076 (VCV000469076.12), dbSNP rs1255519868, ClinGen allele CA400753794.
Genomic context (GRCh38, chr17:68,528,878, plus strand): 5'-TTATAACAGCACCAAATAATACAGAGCAGTTATTTTGATTCTTGTCTTTCAGAGTCTCTG[G>C]ACAAGTGGGAACGTCTTACGGTAGCTGATGCATTGGAACCAGTGCAGTTTGAAGATGGGC-3'
Protein context (NP_002725.1, residues 250-270): LSKVSILESL[Asp260His]KWERLTVADA

ClinVar aggregate classification (germline): Uncertain significance. Review status: criteria provided, multiple submitters, no conflicts (2 of 4 stars). 2 submissions from 2 submitters: Uncertain significance (2). Last evaluated 2025-09-07.

Conditions:
Hereditary cancer-predisposing syndrome. Also called: Hereditary neoplastic syndrome; Neoplastic Syndromes, Hereditary; Tumor predisposition; Hereditary Cancer Syndrome. Identifiers: Orphanet 140162, MedGen C0027672, MeSH D009386, MONDO:0015356.
Carney complex, type 1 (CNC1). Also called: CARNEY MYXOMA-ENDOCRINE COMPLEX; CARNEY COMPLEX, TYPE I. Identifiers: Orphanet 1359, MedGen C2607929, MONDO:0008057, OMIM 160980.

Allele frequency attached by ClinVar (database versions not stated): gnomAD 0.00001; gnomAD exomes 0.00001; TOPMed 0.00001.
gnomAD v4.1: 6 of 1,613,798 alleles (0.00037%); highest among the groups gnomAD compares: Non-Finnish European, 0.00051%; no homozygotes.

Submissions (2):

Ambry Genetics
Classification: Uncertain significance for Hereditary cancer-predisposing syndrome. Last evaluated: 2025-09-07. Review status: criteria provided, single submitter. Criteria: Ambry Variant Classification Scheme 2023. Collection method: clinical testing. Allele origin: germline.
Comment: The p.D260H variant (also known as c.778G>C), located in coding exon 8 of the PRKAR1A gene, results from a G to C substitution at nucleotide position 778. The aspartic acid at codon 260 is replaced by histidine, an amino acid with similar properties. This amino acid position is conserved. In addition, this alteration is predicted to be deleterious by in silico analysis. Since supporting evidence is limited at this time, the clinical significance of this alteration remains unclear.

Labcorp Genetics (formerly Invitae), Labcorp
Classification: Uncertain significance for Carney complex, type 1. Last evaluated: 2025-05-14. Review status: criteria provided, single submitter. Criteria: Invitae Variant Classification Sherloc (09022015). Collection method: clinical testing. Allele origin: germline.
Comment: This sequence change replaces aspartic acid, which is acidic and polar, with histidine, which is basic and polar, at codon 260 of the PRKAR1A protein (p.Asp260His). This variant is not present in population databases (gnomAD no frequency). This variant has not been reported in the literature in individuals affected with PRKAR1A-related conditions. ClinVar contains an entry for this variant (Variation ID: 469076). Invitae Evidence Modeling of protein sequence and biophysical properties (such as structural, functional, and spatial information, amino acid conservation, physicochemical variation, residue mobility, and thermodynamic stability) indicates that this missense variant is expected to disrupt PRKAR1A protein function with a positive predictive value of 95%. In summary, the available evidence is currently insufficient to determine the role of this variant in disease. Therefore, it has been classified as a Variant of Uncertain Significance.